The following is an entry in ClinVar:

NM_021830.5(TWNK):c.-605G>T

Gene: TWNK (twinkle mtDNA helicase; plus strand). Cytogenetic location: 10q24.31.
Variant type: single nucleotide variant.
Coding change: c.-605G>T on transcript NM_021830.5 (MANE Select); 605 bases upstream of the start codon, G replaced by T.
Molecular consequence: 5 prime UTR variant. On other transcripts: non-coding transcript variant (5).
Genome position (GRCh38, 1-based): chr10:100,987,606, G>T. VCF-style: chr10-100987606-G-T. GRCh37 (hg19) VCF-style: chr10-102747363-G-T.
Other names: c.-605G>T (NM_001163812.2); c.-127G>T (NM_001163813.2, NM_001163814.2); c.-65G>T (NM_001368275.1).
Identifiers: ClinVar variation 136593 (VCV000136593.6), dbSNP rs3740484, ClinGen allele CA289761.
Genomic context (GRCh38, chr10:100,987,606, plus strand): 5'-TCCGAGGTCAAGGCGAGTAGCATGTGCGGGAGACTCACGTTGCCGGCGAAGTGGGAGAGA[G>T]AAAAGTGGTAACCTGGGGCTGGGGGCCGGCGCGGCGGAGCTCGGAGTAGTAGAGCGGAGT-3'

ClinVar aggregate classification (germline): Benign. Review status: criteria provided, multiple submitters, no conflicts (2 of 4 stars). 6 submissions from 3 submitters: Benign (6). Last evaluated 2018-01-13.

Conditions:
Autosomal recessive cerebellar ataxia. Also called: Spinocerebellar Ataxia, Recessive; Spinocerebellar ataxia, autosomal recessive. Identifiers: Orphanet 1172, MedGen C5575375, MONDO:0015244.
Infantile onset spinocerebellar ataxia (MTDPS7). Also called: OPHTHALMOPLEGIA, HYPOTONIA, ATAXIA, HYPOACUSIS, AND ATHETOSIS; SPINOCEREBELLAR ATAXIA, INFANTILE, WITH SENSORY NEUROPATHY; OHAHA SYNDROME; Mitochondrial DNA depletion syndrome 7 (hepatocerebral type). Identifiers: Orphanet 1186, MedGen C1849096, MONDO:0010060, OMIM 271245.
Progressive external ophthalmoplegia with mitochondrial DNA deletions, autosomal dominant 3. Also called: PROGRESSIVE EXTERNAL OPHTHALMOPLEGIA, AUTOSOMAL DOMINANT 3. Identifiers: MedGen C1836439, MONDO:0012241, OMIM 609286.
Sensory ataxic neuropathy, dysarthria, and ophthalmoparesis (SANDO). Also called: Sensory ataxic neuropathy-dysarthria-ophthalmoparesis syndrome; Epilepsy, progressive myoclonic, type 5; Ataxia Neuropathy Spectrum (ANS); SENSORY ATAXIC NEUROPATHY WITH MITOCHONDRIAL DNA DELETIONS, AUTOSOMAL RECESSIVE. Identifiers: Orphanet 70595, MedGen C1843851, MONDO:0011835, OMIM 607459.

Allele frequency attached by ClinVar (database versions not stated): gnomAD 0.35155 and 0.35424; TOPMed 0.37143; 1000 Genomes Project 30x 0.40725; 1000 Genomes Project 0.41214.
gnomAD v4.1: 363,610 of 1,081,648 alleles (34%); highest among the groups gnomAD compares: East Asian, 57%; 63,608 homozygotes.

Submissions (6):

Illumina Laboratory Services, Illumina
Classification: Benign for Infantile onset spinocerebellar ataxia. Last evaluated: 2018-01-13. Review status: criteria provided, single submitter. Criteria: ICSL Variant Classification Criteria 13 December 2019. Collection method: clinical testing. Allele origin: germline.
Comment: This variant was observed in the ICSL laboratory as part of a predisposition screen in an ostensibly healthy population. It had not been previously curated by ICSL or reported in the Human Gene Mutation Database (HGMD: prior to June 1st, 2018), and was therefore a candidate for classification through an automated scoring system. Utilizing variant allele frequency, disease prevalence and penetrance estimates, and inheritance mode, an automated score was calculated to assess if this variant is too frequent to cause the disease. Based on the score and internal cut-off values, a variant classified as benign is not then subjected to further curation. The score for this variant resulted in a classification of benign for this disease.

Illumina Laboratory Services, Illumina
Classification: Benign for Autosomal recessive cerebellar ataxia. Last evaluated: 2018-01-13. Review status: criteria provided, single submitter. Criteria: ICSL Variant Classification Criteria 13 December 2019. Collection method: clinical testing. Allele origin: germline.
Comment: the same text as in the submission from Illumina Laboratory Services, Illumina above.

Illumina Laboratory Services, Illumina
Classification: Benign for Progressive external ophthalmoplegia with mitochondrial DNA deletions, autosomal dominant 3. Last evaluated: 2018-01-13. Review status: criteria provided, single submitter. Criteria: ICSL Variant Classification Criteria 13 December 2019. Collection method: clinical testing. Allele origin: germline.
Comment: the same text as in the submission from Illumina Laboratory Services, Illumina above.

Illumina Laboratory Services, Illumina
Classification: Benign for Sensory ataxic neuropathy-dysarthria-ophthalmoparesis syndrome. Last evaluated: 2018-01-13. Review status: criteria provided, single submitter. Criteria: ICSL Variant Classification Criteria 13 December 2019. Collection method: clinical testing. Allele origin: germline.
Comment: the same text as in the submission from Illumina Laboratory Services, Illumina above.

GeneDx
Classification: Benign. Last evaluated: 2012-02-07. Review status: criteria provided, single submitter. Criteria: GeneDx Variant Classification (06012015). Collection method: clinical testing. Allele origin: germline. Affected: yes.
Comment: This variant is considered likely benign or benign based on one or more of the following criteria: it is a conservative change, it occurs at a poorly conserved position in the protein, it is predicted to be benign by multiple in silico algorithms, and/or has population frequency not consistent with disease.

Breakthrough Genomics
Classification: Benign. Review status: criteria provided, single submitter. Criteria: ACMG Guidelines, 2015. Collection method: not provided. Allele origin: germline. Inheritance: Autosomal recessive inheritance. Affected: yes.